The following is an entry in ClinVar:

NM_006445.4(PRPF8):c.891T>C (p.Asn297=)

Gene: PRPF8 (pre-mRNA processing factor 8; minus strand). Cytogenetic location: 17p13.3.
Variant type: single nucleotide variant.
Coding change: c.891T>C on transcript NM_006445.4 (MANE Select); coding-DNA position 891, T replaced by C.
Protein change: p.Asn297=; no amino-acid change (asparagine 297 retained).
Molecular consequence: synonymous variant.
Genome position (GRCh38, 1-based): chr17:1,681,030, A>G on the plus strand (T>C on the coding strand, the complement: PRPF8 is on the minus strand). VCF-style: chr17-1681030-A-G. GRCh37 (hg19) VCF-style: chr17-1584324-A-G.
Identifiers: ClinVar variation 321915 (VCV000321915.16), dbSNP rs7503397, ClinGen allele CA8272512.

ClinVar aggregate classification (germline): Benign. Review status: criteria provided, multiple submitters, no conflicts (2 of 4 stars). 5 submissions from 5 submitters: Benign (5). Last evaluated 2026-02-03.

Conditions:
Retinitis pigmentosa (RP). Identifiers: Orphanet 791, MedGen C0035334, MeSH D012174, MONDO:0019200, OMIM 268000. Inheritance: Autosomal dominant, autosomal recessive and X linked inheritance.
Retinal dystrophy. Also called: Inherited retinal dystrophy. Identifiers: Orphanet 71862, MedGen C0854723, MeSH D058499, MONDO:0019118, HP:0000556.

Allele frequency attached by ClinVar (database versions not stated): gnomAD exomes 0.20727 and 0.20731; ExAC 0.21736; 1000 Genomes Project 0.27216; 1000 Genomes Project 30x 0.28029; gnomAD 0.30128 and 0.31150; TOPMed 0.30876; ESP Exome Variant Server 0.32946.
gnomAD v4.1: 349,521 of 1,612,866 alleles (22%); highest among the groups gnomAD compares: African/African-American, 58%; 44,567 homozygotes.

Submissions (5):

Labcorp Genetics (formerly Invitae), Labcorp
Classification: Benign. Last evaluated: 2026-02-03. Review status: criteria provided, single submitter. Criteria: Invitae Variant Classification Sherloc (09022015). Collection method: clinical testing. Allele origin: germline.

Dept Of Ophthalmology, Nagoya University
Classification: Benign for Retinal dystrophy. Last evaluated: 2023-10-01. Review status: criteria provided, single submitter. Criteria: Submitter's publication. Collection method: research. Allele origin: germline. Affected: yes.

GeneDx
Classification: Benign. Last evaluated: 2019-09-06. Review status: criteria provided, single submitter. Criteria: GeneDx Variant Classification Process June 2021. Collection method: clinical testing. Allele origin: germline. Affected: yes.

Illumina Laboratory Services, Illumina
Classification: Benign for Retinitis pigmentosa. Last evaluated: 2018-01-13. Review status: criteria provided, single submitter. Criteria: ICSL Variant Classification Criteria 13 December 2019. Collection method: clinical testing. Allele origin: germline.
Comment: This variant was observed in the ICSL laboratory as part of a predisposition screen in an ostensibly healthy population. It had not been previously curated by ICSL or reported in the Human Gene Mutation Database (HGMD: prior to June 1st, 2018), and was therefore a candidate for classification through an automated scoring system. Utilizing variant allele frequency, disease prevalence and penetrance estimates, and inheritance mode, an automated score was calculated to assess if this variant is too frequent to cause the disease. Based on the score and internal cut-off values, a variant classified as benign is not then subjected to further curation. The score for this variant resulted in a classification of benign for this disease.

Breakthrough Genomics
Classification: Benign. Review status: criteria provided, single submitter. Criteria: ACMG Guidelines, 2015. Collection method: not provided. Allele origin: germline. Inheritance: Autosomal dominant inheritance. Affected: yes.